The following is an entry in ClinVar:

GRCh38/hg38 11q24.2-24.3(chr11:125891315-129072391)x1

Genes: ARHGAP32 (Rho GTPase activating protein 32; minus strand), CDON (cell adhesion associated, oncogene regulated; minus strand), DCPS (decapping enzyme, scavenger; plus strand), DDX25 (DEAD-box helicase 25; plus strand), DDX25-AS1 (DDX25 antisense RNA 1; minus strand) and 114 more. Cytogenetic location: 11q24.2-24.3.
Variant type: copy number loss.
Change: copy number 1 (one copy instead of two) of chr11:125,891,315-129,072,391 (3.18 Mb, GRCh38 coordinates, 1-based), cytogenetic band 11q24.2-24.3.
Identifiers: ClinVar variation 57257 (VCV000057257.1).

ClinVar aggregate classification (germline): Pathogenic (1 of 4 stars; one submission).

Submission:

ISCA site 4
Classification: Pathogenic. Last evaluated: 2011-08-12. Review status: criteria provided, single submitter. Criteria: Kaminsky et al. (Genet Med. 2011). Collection method: clinical testing. Allele origin: unknown. Affected: yes. Observed: 1 variant allele.
Comment: Copy number variation identified through the course of routine clinical cytogenomic testing in postnatal populations. Clinical assertions have been curated as described in Kaminsky et al. 2011.